The following is an entry in ClinVar:

ClinVar aggregate classification (germline): Uncertain significance (1 of 4 stars; one submission).

Submission:

Labcorp Genetics (formerly Invitae), Labcorp
Classification: Uncertain significance. Last evaluated: 2025-04-30. Review status: criteria provided, single submitter. Criteria: Invitae Variant Classification Sherloc (09022015). Collection method: clinical testing. Allele origin: germline.
Comment: This variant, c.864_872del, results in the deletion of 3 amino acid(s) of the SUCO protein (p.Met289_Ala291del), but otherwise preserves the integrity of the reading frame. This variant is present in population databases (rs756434070, gnomAD 0.004%). This variant has not been reported in the literature in individuals affected with SUCO-related conditions. Experimental studies and prediction algorithms are not available or were not evaluated, and the functional significance of this variant is currently unknown. In summary, the available evidence is currently insufficient to determine the role of this variant in disease. Therefore, it has been classified as a Variant of Uncertain Significance.

NM_014283.5(SUCO):c.864_872del (p.Met289_Ala291del)

Gene: SUCO (SUN domain containing ossification factor; plus strand). Cytogenetic location: 1q24.3.
Variant type: Deletion.
Coding change: c.864_872del on transcript NM_014283.5 (MANE Select); coding-DNA positions 864 to 872, 9 bases deleted (GATGCATGC; older notation c.864_872delGATGCATGC).
Protein change: p.Met289_Ala291del.
Molecular consequence: inframe deletion. On other transcripts: 5 prime UTR variant (1).
Genome position (GRCh38, 1-based): chr1:172,570,054-172,570,062, GATGCATGC deleted; deleting any 9 consecutive bases within chr1:172,570,053-172,570,062 gives the same sequence; the c. name uses the placement nearest the transcript's 3' end. VCF-style (leftmost placement, unchanged base first): chr1-172570052-TCGATGCATG-T. GRCh37 (hg19) VCF-style: chr1-172539192-TCGATGCATG-T.
Other names: c.753_761del, p.Met252_Ala254del (NM_001282750.2); c.-666_-658del (NM_001282751.2); c.1338_1346del, p.Met447_Ala449del (NM_016227.4).
Identifiers: ClinVar variation 4743061 (VCV004743061.1).